The following is an entry in ClinVar:

NM_001370259.2(MEN1):c.1831T>A (p.Ter611Arg)

Gene: MEN1 (menin 1; minus strand). Cytogenetic location: 11q13.1.
Variant type: single nucleotide variant.
Coding change: c.1831T>A on transcript NM_001370259.2 (MANE Select); coding-DNA position 1831, T replaced by A.
Protein change: p.Ter611Arg.
Molecular consequence: stop lost.
Genome position (GRCh38, 1-based): chr11:64,804,336, A>T on the plus strand (T>A on the coding strand, the complement: MEN1 is on the minus strand). VCF-style: chr11-64804336-A-T. GRCh37 (hg19) VCF-style: chr11-64571808-A-T.
Other names: *611R; *616R; *576R; *653R; c.1846T>A, p.Ter616Arg (NM_000244.4, NM_130800.3, NM_130801.3 and 3 more transcripts); c.1957T>A, p.Ter653Arg (NM_001370251.2); c.1831T>A, p.Ter611Arg (NM_001370260.2, NM_001370261.2, NM_130799.3); c.1726T>A, p.Ter576Arg (NM_001370262.2, NM_001370263.2).
Identifiers: ClinVar variation 446502 (VCV000446502.4), dbSNP rs1565635212, ClinGen allele CA381177005.

ClinVar aggregate classification (germline): Pathogenic (1 of 4 stars; one submission).

Conditions:
Somatotroph adenoma (PITA1). Also called: SOMATOTROPHINOMA, FAMILIAL; Pituitary adenoma, growth hormone-secreting; PITUITARY ADENOMA 1, MULTIPLE TYPES; AIP Familial Isolated Pituitary Adenomas; Pituitary tumor, growth hormone-secreting, somatic; ACROMEGALY DUE TO PITUITARY ADENOMA 1. Identifiers: Orphanet 314777, Orphanet 963, MedGen C4538355, MONDO:0007052, OMIM 102200.

Submission:

Aziz Sancar Institute of Experimental Medicine, Istanbul University
Classification: Pathogenic for Somatotroph adenoma. Last evaluated: 2017-12-05. Review status: criteria provided, single submitter. Criteria: Yarman et al. (Pathobiology, 2019). Collection method: research. Allele origin: germline. Affected: yes. Observed: 1 variant allele.
Comment: A novel variant associated with clinical findings.